The following is an entry in ClinVar:

ClinVar aggregate classification (germline): Uncertain significance (1 of 4 stars; one submission).

Conditions:
Progressive sclerosing poliodystrophy (MTDPS4A). Also called: Mitochondrial DNA Depletion Syndrome 4A; ALPERS PROGRESSIVE INFANTILE POLIODYSTROPHY; NEURONAL DEGENERATION OF CHILDHOOD WITH LIVER DISEASE, PROGRESSIVE; Mitochondrial DNA depletion syndrome 4A (Alpers type); Alpers-Huttenlocher Syndrome (AHS); Alpers Syndrome. Identifiers: Orphanet 726, MedGen C0205710, MONDO:0008758, OMIM 203700.

Submission:

Labcorp Genetics (formerly Invitae), Labcorp
Classification: Uncertain significance for Progressive sclerosing poliodystrophy. Last evaluated: 2022-06-16. Review status: criteria provided, single submitter. Criteria: Invitae Variant Classification Sherloc (09022015). Collection method: clinical testing. Allele origin: germline.
Comment: This variant has not been reported in the literature in individuals affected with POLG-related conditions. In summary, the available evidence is currently insufficient to determine the role of this variant in disease. Therefore, it has been classified as a Variant of Uncertain Significance. Algorithms developed to predict the effect of missense changes on protein structure and function are either unavailable or do not agree on the potential impact of this missense change (SIFT: "Tolerated"; PolyPhen-2: "Probably Damaging"; Align-GVGD: "Class C0"). This variant is not present in population databases (gnomAD no frequency). This sequence change replaces histidine, which is basic and polar, with tyrosine, which is neutral and polar, at codon 971 of the POLG protein (p.His971Tyr).

NM_002693.3(POLG):c.2911C>T (p.His971Tyr)

Gene: POLG (DNA polymerase gamma, catalytic subunit; minus strand). Cytogenetic location: 15q26.1.
Variant type: single nucleotide variant.
Coding change: c.2911C>T on transcript NM_002693.3 (MANE Select); coding-DNA position 2911, C replaced by T.
Protein change: p.His971Tyr; replaces histidine 971 with tyrosine.
Molecular consequence: missense variant.
Genome position (GRCh38, 1-based): chr15:89,320,836, G>A on the plus strand (C>T on the coding strand, the complement: POLG is on the minus strand). VCF-style: chr15-89320836-G-A. GRCh37 (hg19) VCF-style: chr15-89864067-G-A.
Other names: c.2911C>T, p.His971Tyr (NM_001126131.2); short protein forms H971Y.
Identifiers: ClinVar variation 1951931 (VCV001951931.5), dbSNP rs1303740203, ClinGen allele CA393752414.
Genomic context (GRCh38, chr15:89,320,836, plus strand): 5'-CCTTGGTGGCAGCGTACATCTGCTGGGCCTTCTCAGCTGCCTCCTGCTGTGTGAGCCGGT[G>A]GTTAAACTGCATTAGTAAGCGCTCAGCAAAGGGCTGCCCAGCACCATAGATGCGGCCGTA-3'
Protein context (NP_002684.1, residues 961-981): FAERLLMQFN[His971Tyr]RLTQQEAAEK